The following is an entry in ClinVar:

NM_152617.4(RNF168):c.1150_1152del (p.Glu384del)

Gene: RNF168 (ring finger protein 168; minus strand). Cytogenetic location: 3q29.
Variant type: Deletion.
Coding change: c.1150_1152del on transcript NM_152617.4 (MANE Select); coding-DNA positions 1150 to 1152, 3 bases deleted (GAG; older notation c.1150_1152delGAG).
Protein change: p.Glu384del; deletes glutamic acid 384.
Molecular consequence: inframe deletion.
Genome position (GRCh38, 1-based): chr3:196,472,383-196,472,385, CTC deleted on the plus strand (GAG on the coding strand, the reverse complement: RNF168 is on the minus strand); deleting any 3 consecutive bases within chr3:196,472,383-196,472,387 gives the same sequence; the c. name uses the placement nearest the transcript's 3' end. VCF-style (leftmost placement, unchanged base first): chr3-196472382-TCTC-T. GRCh37 (hg19) VCF-style: chr3-196199253-TCTC-T.
Other names: short protein forms E384del.
Identifiers: ClinVar variation 1690734 (VCV001690734.2), dbSNP rs759237055, ClinGen allele CA2780717.

ClinVar aggregate classification (germline): Uncertain significance (1 of 4 stars; one submission).

Submission:

Laboratorio de Genetica e Diagnostico Molecular, Hospital Israelita Albert Einstein
Classification: Uncertain significance. Last evaluated: 2019-11-22. Review status: criteria provided, single submitter. Criteria: ACMG Guidelines, 2015. Collection method: clinical testing. Allele origin: germline. Affected: yes.
Comment: ACMG classification criteria: PM2, PM4